The following is an entry in ClinVar:

ClinVar aggregate classification (germline): Uncertain significance (1 of 4 stars; one submission).

Conditions:
Aortic valve disease 2 (AOVD2). Identifiers: MedGen C3542024, MONDO:0013902, OMIM 614823.

Submission:

Labcorp Genetics (formerly Invitae), Labcorp
Classification: Uncertain significance for Aortic valve disease 2. Last evaluated: 2023-03-03. Review status: criteria provided, single submitter. Criteria: Invitae Variant Classification Sherloc (09022015). Collection method: clinical testing. Allele origin: germline.
Comment: This variant has not been reported in the literature in individuals affected with TBX5-related conditions. In summary, the available evidence is currently insufficient to determine the role of this variant in disease. Therefore, it has been classified as a Variant of Uncertain Significance. This sequence change creates a premature translational stop signal (p.Tyr380*) in the TBX5 gene. While this is not anticipated to result in nonsense mediated decay, it is expected to disrupt the last 139 amino acid(s) of the TBX5 protein. This variant is not present in population databases (gnomAD no frequency).

NM_181486.4(TBX5):c.1140T>G (p.Tyr380Ter)

Gene: TBX5 (T-box transcription factor 5; minus strand). Cytogenetic location: 12q24.21.
Variant type: single nucleotide variant.
Coding change: c.1140T>G on transcript NM_181486.4 (MANE Select); coding-DNA position 1140, T replaced by G.
Protein change: p.Tyr380Ter; replaces tyrosine 380 with a stop codon.
Molecular consequence: nonsense.
Genome position (GRCh38, 1-based): chr12:114,355,949, A>C on the plus strand (T>G on the coding strand, the complement: TBX5 is on the minus strand). VCF-style: chr12-114355949-A-C. GRCh37 (hg19) VCF-style: chr12-114793754-A-C.
Other names: c.1140T>G, p.Tyr380Ter (NM_000192.3); c.990T>G, p.Tyr330Ter (NM_080717.4); short protein forms Y380*, Y330*.
Identifiers: ClinVar variation 2838058 (VCV002838058.3), dbSNP rs771409350, ClinGen allele CA386925700.
Genomic context (GRCh38, chr12:114,355,949, plus strand): 5'-CGTGTTGCAGCTGATGTCCTCTAGGCTGGGCACAGGCTCGCTGGGGGGCGCAGAGCTGGC[A>C]TACATGCAAGCTTGCCGCTGTGCCGACTCTGTCCTGTAGGAGGCACCCAGGCCCTGCTGC-3'